The following is an entry in ClinVar:

NM_000088.4(COL1A1):c.2934del (p.Ser979fs)

Gene: COL1A1 (collagen type I alpha 1 chain; minus strand). Cytogenetic location: 17q21.33.
Variant type: Deletion.
Coding change: c.2934del on transcript NM_000088.4 (MANE Select); coding-DNA position 2934, one base deleted (C; older notation c.2934delC).
Protein change: p.Ser979fs; shifts the reading frame from serine 979.
Molecular consequence: frameshift variant.
Genome position (GRCh38, 1-based): chr17:50,189,171, G deleted on the plus strand (C on the coding strand, the reverse complement: COL1A1 is on the minus strand); the first of 4 consecutive G bases (chr17:50,189,171-50,189,174); deleting any one gives the same sequence. VCF-style (leftmost placement, unchanged base first): chr17-50189170-AG-A. GRCh37 (hg19) VCF-style: chr17-48266531-AG-A.
Other names: c.2934delC (NM_000088.3); c.2934del, p.Ser979fs (LRG_1t1); short protein forms S979fs.
Identifiers: ClinVar variation 425615 (VCV000425615.3), dbSNP rs1114167395, ClinGen allele CA645294101.

ClinVar aggregate classification (germline): Pathogenic. Review status: criteria provided, single submitter (1 of 4 stars). 2 submissions from 2 submitters: Pathogenic (1). 1 of the submissions does not count toward it. Last evaluated 2024-06-14.

Conditions:
Osteogenesis imperfecta type I (OI1). Also called: Lobstein's Disease; Lobstein disease; Osteogenesis imperfecta type 1; OI, TYPE I; OSTEOGENESIS IMPERFECTA TARDA; OSTEOGENESIS IMPERFECTA WITH BLUE SCLERAE. Identifiers: Orphanet 216796, Orphanet 666, MedGen C0023931, MONDO:0008146, OMIM 166200. Disease mechanism: loss of function.

Submissions (2):

Labcorp Genetics (formerly Invitae), Labcorp
Classification: Pathogenic for Osteogenesis imperfecta type I. Last evaluated: 2024-06-14. Review status: criteria provided, single submitter. Criteria: Invitae Variant Classification Sherloc (09022015). Collection method: clinical testing. Allele origin: germline.
Comment: This sequence change creates a premature translational stop signal (p.Ser979Leufs*129) in the COL1A1 gene. It is expected to result in an absent or disrupted protein product. Loss-of-function variants in COL1A1 are known to be pathogenic (PMID: 7942841, 9295084, 9443882). This variant is not present in population databases (gnomAD no frequency). This premature translational stop signal has been observed in individual(s) with osteogenesis imperfecta (PMID: 28498836, 30886339). ClinVar contains an entry for this variant (Variation ID: 425615). For these reasons, this variant has been classified as Pathogenic.

Department of Medical Sciences, Uppsala University
Classification: Pathogenic for OI type I. Review status: no assertion criteria provided. Collection method: clinical testing. Allele origin: paternal. Affected: yes. Observed: 1 variant allele. Not counted in ClinVar's aggregate classification.

Literature cited by the submitters: PubMed 7942841 (cited by Labcorp Genetics (formerly Invitae), Labcorp); PubMed 9295084 (cited by Labcorp Genetics (formerly Invitae), Labcorp); PubMed 9443882 (cited by Labcorp Genetics (formerly Invitae), Labcorp); PubMed 28498836 (cited by Labcorp Genetics (formerly Invitae), Labcorp); PubMed 30886339 (cited by Labcorp Genetics (formerly Invitae), Labcorp); PubMed 25944380 (cited by Department of Medical Sciences, Uppsala University).